The following is an entry in ClinVar:

NM_002017.5(FLI1):c.1145C>T (p.Pro382Leu)

Gene: FLI1 (Fli-1 proto-oncogene, ETS transcription factor; plus strand). Cytogenetic location: 11q24.3.
Variant type: single nucleotide variant.
Coding change: c.1145C>T on transcript NM_002017.5 (MANE Select); coding-DNA position 1145, C replaced by T.
Protein change: p.Pro382Leu; replaces proline 382 with leucine.
Molecular consequence: missense variant.
Genome position (GRCh38, 1-based): chr11:128,810,774, C>T. VCF-style: chr11-128810774-C-T. GRCh37 (hg19) VCF-style: chr11-128680669-C-T.
Other names: c.1046C>T, p.Pro349Leu (NM_001167681.3); c.947C>T, p.Pro316Leu (NM_001271010.2); c.566C>T, p.Pro189Leu (NM_001271012.2); short protein forms P189L, P349L, P382L, P316L.
Identifiers: ClinVar variation 2695130 (VCV002695130.3), dbSNP rs2497520223, ClinGen allele CA383239149.
Genomic context (GRCh38, chr11:128,810,774, plus strand): 5'-TCCACGGCATTGCCCAGGCTCTGCAGCCACATCCGACCGAGTCGTCCATGTACAAGTACC[C>T]TTCTGACATCTCCTACATGCCTTCCTACCATGCCCACCAGCAGAAGGTGAACTTTGTCCC-3'
Protein context (NP_002008.2, residues 372-392): HPTESSMYKY[Pro382Leu]SDISYMPSYH

ClinVar aggregate classification (germline): Uncertain significance (1 of 4 stars; one submission).

Allele frequency attached by ClinVar (database versions not stated): gnomAD exomes below 0.00001.
gnomAD v4.1: 1 of 1,614,088 alleles (0.000062%); highest among the groups gnomAD compares: Non-Finnish European, 0.000085%; no homozygotes.

Submission:

Labcorp Genetics (formerly Invitae), Labcorp
Classification: Uncertain significance. Last evaluated: 2023-12-15. Review status: criteria provided, single submitter. Criteria: Invitae Variant Classification Sherloc (09022015). Collection method: clinical testing. Allele origin: germline.
Comment: This sequence change replaces proline, which is neutral and non-polar, with leucine, which is neutral and non-polar, at codon 382 of the FLI1 protein (p.Pro382Leu). This variant is not present in population databases (gnomAD no frequency). This variant has not been reported in the literature in individuals affected with FLI1-related conditions. Advanced modeling of protein sequence and biophysical properties (such as structural, functional, and spatial information, amino acid conservation, physicochemical variation, residue mobility, and thermodynamic stability) performed at Invitae indicates that this missense variant is not expected to disrupt FLI1 protein function with a negative predictive value of 80%. In summary, the available evidence is currently insufficient to determine the role of this variant in disease. Therefore, it has been classified as a Variant of Uncertain Significance.